The following is an entry in ClinVar:

ClinVar aggregate classification (germline): Uncertain significance (1 of 4 stars; one submission).

gnomAD v4.1: 1 of 1,614,102 alleles (0.000062%); highest among the groups gnomAD compares: Non-Finnish European, 0.000085%; no homozygotes.

Submission:

Labcorp Genetics (formerly Invitae), Labcorp
Classification: Uncertain significance. Last evaluated: 2024-08-29. Review status: criteria provided, single submitter. Criteria: Invitae Variant Classification Sherloc (09022015). Collection method: clinical testing. Allele origin: germline.
Comment: This sequence change replaces alanine, which is neutral and non-polar, with threonine, which is neutral and polar, at codon 331 of the ALPK1 protein (p.Ala331Thr). This variant is present in population databases (rs367806439, gnomAD 0.003%). This variant has not been reported in the literature in individuals affected with ALPK1-related conditions. Invitae Evidence Modeling of protein sequence and biophysical properties (such as structural, functional, and spatial information, amino acid conservation, physicochemical variation, residue mobility, and thermodynamic stability) indicates that this missense variant is expected to disrupt ALPK1 protein function with a positive predictive value of 80%. In summary, the available evidence is currently insufficient to determine the role of this variant in disease. Therefore, it has been classified as a Variant of Uncertain Significance.

NM_025144.4(ALPK1):c.991G>A (p.Ala331Thr)

Gene: ALPK1 (alpha kinase 1; plus strand). Cytogenetic location: 4q25.
Variant type: single nucleotide variant.
Coding change: c.991G>A on transcript NM_025144.4 (MANE Select); coding-DNA position 991, G replaced by A.
Protein change: p.Ala331Thr; replaces alanine 331 with threonine.
Molecular consequence: missense variant.
Genome position (GRCh38, 1-based): chr4:112,430,538, G>A. VCF-style: chr4-112430538-G-A. GRCh37 (hg19) VCF-style: chr4-113351694-G-A.
Other names: c.991G>A, p.Ala331Thr (NM_001102406.2); c.757G>A, p.Ala253Thr (NM_001253884.2); short protein forms A253T, A331T.
Identifiers: ClinVar variation 3617404 (VCV003617404.2).
Genomic context (GRCh38, chr4:112,430,538, plus strand): 5'-AGTAGTTCAAATGACTGTCCTCCAGAATTGAAAAACTTACATCTGTGTGAAGCCAAAGAG[G>A]CCTTTGAGATTGGCCTCCTCACCAAGAGAGATGATGAGCCTGTTACTGGAAAACAGGAGC-3'
Protein context (NP_079420.3, residues 321-341): KNLHLCEAKE[Ala331Thr]FEIGLLTKRD